The following is an entry in ClinVar:

ClinVar aggregate classification (germline): Uncertain significance. Review status: criteria provided, multiple submitters, no conflicts (2 of 4 stars). 10 submissions from 10 submitters: Uncertain significance (9). 1 of the submissions does not count toward it. Last evaluated 2026-01-24.

Conditions:
Hereditary cancer-predisposing syndrome. Also called: Neoplastic Syndromes, Hereditary; Hereditary Cancer Syndrome; Hereditary neoplastic syndrome; Tumor predisposition. Identifiers: Orphanet 140162, MedGen C0027672, MeSH D009386, MONDO:0015356.
Aplastic anemia. Identifiers: Orphanet 182040, Orphanet 88, MedGen C0002874, MONDO:0015909, OMIM 609135, HP:0001915.
Microcephaly, normal intelligence and immunodeficiency (NBS). Also called: Immunodeficiency, microcephaly with normal intelligence; SEEMANOVA SYNDROME II; Nijmegen breakage syndrome; Microcephaly with normal intelligence immunodeficiency and lymphoreticular malignancies; Nonsyndromal microcephaly autosomal recessive with normal intelligence; Seemanova syndrome 2. Identifiers: Orphanet 647, MedGen C0398791, MONDO:0009623, OMIM 251260.

Allele frequency attached by ClinVar (database versions not stated): ExAC 0.00002; gnomAD 0.00002; TOPMed 0.00002.
gnomAD v4.1: 22 of 1,575,672 alleles (0.0014%); highest among the groups gnomAD compares: Non-Finnish European, 0.0017%; no homozygotes.

Submissions (10):

Labcorp Genetics (formerly Invitae), Labcorp
Classification: Uncertain significance for Microcephaly, normal intelligence and immunodeficiency. Last evaluated: 2026-01-24. Review status: criteria provided, single submitter. Criteria: Invitae Variant Classification Sherloc (09022015). Collection method: clinical testing. Allele origin: germline.
Comment: This sequence change replaces arginine, which is basic and polar, with histidine, which is basic and polar, at codon 624 of the NBN protein (p.Arg624His). The frequency data for this variant in the population databases is considered unreliable, as metrics indicate poor data quality at this position in the gnomAD database. This variant has not been reported in the literature in individuals affected with NBN-related conditions. ClinVar contains an entry for this variant (Variation ID: 142193). An algorithm developed to predict the effect of missense changes on protein structure and function (PolyPhen-2) suggests that this variant is likely to be tolerated. In summary, the available evidence is currently insufficient to determine the role of this variant in disease. Therefore, it has been classified as a Variant of Uncertain Significance.

Quest Diagnostics Nichols Institute San Juan Capistrano
Classification: Uncertain significance. Last evaluated: 2025-10-07. Review status: criteria provided, single submitter. Criteria: Quest Diagnostics criteria. Collection method: clinical testing. Allele origin: unknown.
Comment: The NBN c.1871G>A (p.Arg624His) variant has been observed in at least one individual with breast cancer and reportedly unaffected individuals in a large scale breast cancer association study (PMID: 33471991 (2021), see also LOVD). This variant has also been detected in a tumor sample of an individual with melanoma (PMID: 38669390 (2024)) and in individuals with premature ovarian insufficiency (PMID: 37349538 (2023)). The frequency of this variant in the general population (Genome Aggregation Database) is uninformative in the assessment of its pathogenicity. Analysis of this variant using bioinformatics tools for the prediction of the effect of amino acid changes on protein structure and function yielded predictions that this variant is benign. Based on the available information, we are unable to determine the clinical significance of this variant.

GeneDx
Classification: Uncertain significance. Last evaluated: 2024-12-09. Review status: criteria provided, single submitter. Criteria: GeneDx Variant Classification Process June 2021. Collection method: clinical testing. Allele origin: germline. Affected: yes.
Comment: Not observed at significant frequency in large population cohorts (gnomAD); In silico analysis indicates that this missense variant does not alter protein structure/function; Observed in individuals with breast cancer, but also in unaffected controls (PMID: 33471991); This variant is associated with the following publications: (PMID: 33471991)

Baylor Genetics
Classification: Uncertain significance for Aplastic anemia. Last evaluated: 2023-08-09. Review status: criteria provided, single submitter. Criteria: ACMG Guidelines, 2015. Collection method: clinical testing. Allele origin: unknown.

Ambry Genetics
Classification: Uncertain significance for Hereditary cancer-predisposing syndrome. Last evaluated: 2023-05-17. Review status: criteria provided, single submitter. Criteria: Ambry Variant Classification Scheme 2023. Collection method: clinical testing. Allele origin: germline.
Comment: The p.R624H variant (also known as c.1871G>A), located in coding exon 12 of the NBN gene, results from a G to A substitution at nucleotide position 1871. The arginine at codon 624 is replaced by histidine, an amino acid with highly similar properties. This amino acid position is poorly conserved in available vertebrate species. In addition, this alteration is predicted to be tolerated by in silico analysis. Since supporting evidence is limited at this time, the clinical significance of this alteration remains unclear.

Genome-Nilou Lab
Classification: Uncertain significance for Microcephaly, normal intelligence and immunodeficiency. Last evaluated: 2021-11-07. Review status: criteria provided, single submitter. Criteria: ACMG Guidelines, 2015. Collection method: clinical testing. Allele origin: germline. Affected: no.

St. Jude Molecular Pathology, St. Jude Children's Research Hospital
Classification: Uncertain significance for Microcephaly, normal intelligence and immunodeficiency. Last evaluated: 2021-09-22. Review status: criteria provided, single submitter. Criteria: St. Jude Assertion Criteria 2020. Collection method: clinical testing. Allele origin: germline.
Comment: The NBN c.1871G>A (p.Arg624His) missense change has a maximum subpopulation frequency of 0.0029% in gnomAD v2.1.1. Seven of seven in silico tools predict a benign effect of this variant on protein function (BP4), but to our knowledge these predictions have not been confirmed by functional assays. This variant is absent in the FLOSSIES database which contains genetic variants from women older than 70 years of age who have never had cancer. To our knowledge, this variant has not been reported in individuals with Nijmegan breakage syndrome or NBN-associated cancers. In summary, this variant meets criteria to be classified as of uncertain significance based on the ACMG/AMP criteria: BP4.

Sema4
Classification: Uncertain significance for Hereditary cancer-predisposing syndrome. Last evaluated: 2021-05-28. Review status: criteria provided, single submitter. Criteria: Sema4 Curation Guidelines. Collection method: curation. Allele origin: germline.
Comment: The NBN c.1871G>A (p.R624H) variant has been reported in 1/60466 breast cancer cases and 2/53461 healthy controls by a large case-control study (PMID: 33471991). This variant was observed in 1/34032 chromosomes in the European (non-Finnish) population according to the Genome Aggregation Database (PMID: 32461654) and has been reported in ClinVar (Variation ID: 142193). In silico tools suggest the impact of the variant on protein function is benign, though these predictions have not been confirmed by functional studies. Based on the current evidence available, this variant is interpreted as a variant of uncertain significance.

Color Diagnostics, LLC DBA Color Health
Classification: Uncertain significance for Hereditary cancer-predisposing syndrome. Last evaluated: 2020-06-22. Review status: criteria provided, single submitter. Criteria: ACMG Guidelines, 2015. Collection method: clinical testing. Allele origin: germline.
Comment: This missense variant replaces arginine with histidine at codon 624 of the NBN protein. Computational prediction suggests that this variant may not impact protein structure and function (internally defined REVEL score threshold <= 0.5, PMID: 27666373). To our knowledge, functional studies have not been reported for this variant. This variant has not been reported in individuals affected with hereditary cancer in the literature. This variant has been identified in 4/261390 chromosomes in the general population by the Genome Aggregation Database (gnomAD). The available evidence is insufficient to determine the role of this variant in disease conclusively. Therefore, this variant is classified as a Variant of Uncertain Significance.

Natera, Inc.
Classification: Uncertain significance for Nijmegen breakage syndrome. Last evaluated: 2020-04-14. Review status: no assertion criteria provided. Collection method: clinical testing. Allele origin: germline. Not counted in ClinVar's aggregate classification.

Literature cited by the submitters: PubMed 33471991 (cited by Quest Diagnostics Nichols Institute San Juan Capistrano and Sema4); PubMed 38669390 (cited by Quest Diagnostics Nichols Institute San Juan Capistrano); PubMed 37349538 (cited by Quest Diagnostics Nichols Institute San Juan Capistrano); PubMed 24824029 (cited by Quest Diagnostics Nichols Institute San Juan Capistrano).

NM_002485.5(NBN):c.1871G>A (p.Arg624His)

Genes: NBN (nibrin; minus strand), LOC126860438 (MED14-independent group 3 enhancer GRCh37_chr8:90959982-90961181; plus strand). Cytogenetic location: 8q21.3.
Variant type: single nucleotide variant.
Coding change: c.1871G>A on transcript NM_002485.5 (MANE Select); coding-DNA position 1871, G replaced by A.
Protein change: p.Arg624His; replaces arginine 624 with histidine.
Molecular consequence: missense variant.
Genome position (GRCh38, 1-based): chr8:89,947,867, C>T on the plus strand (G>A on the coding strand, the complement: NBN is on the minus strand). VCF-style: chr8-89947867-C-T. GRCh37 (hg19) VCF-style: chr8-90960095-C-T.
Other names: p.R624H:CGT>CAT; c.1625G>A, p.Arg542His (NM_001024688.3); short protein forms R624H, R542H.
Identifiers: ClinVar variation 142193 (VCV000142193.32), dbSNP rs587782297, ClinGen allele CA294312.